The following is an entry in ClinVar:

NM_000492.4(CFTR):c.2433G>T (p.Arg811Ser)

Gene: CFTR (CF transmembrane conductance regulator; plus strand). Cytogenetic location: 7q31.2.
Variant type: single nucleotide variant.
Coding change: c.2433G>T on transcript NM_000492.4 (MANE Select); coding-DNA position 2433, G replaced by T.
Protein change: p.Arg811Ser; replaces arginine 811 with serine.
Molecular consequence: missense variant.
Genome position (GRCh38, 1-based): chr7:117,592,600, G>T. VCF-style: chr7-117592600-G-T. GRCh37 (hg19) VCF-style: chr7-117232654-G-T.
Other names: short protein forms R811S.
Identifiers: ClinVar variation 618562 (VCV000618562.14), dbSNP rs778688276, ClinGen allele CA4451182.
Genomic context (GRCh38, chr7:117,592,600, plus strand): 5'-ACGAAAAGTGTCACTGGCCCCTCAGGCAAACTTGACTGAACTGGATATATATTCAAGAAG[G>T]TTATCTCAAGAAACTGGCTTGGAAATAAGTGAAGAAATTAACGAAGAAGACTTAAAGGTA-3'
Protein context (NP_000483.3, residues 801-821): NLTELDIYSR[Arg811Ser]LSQETGLEIS

ClinVar aggregate classification (germline): Uncertain significance. Review status: criteria provided, multiple submitters, no conflicts (2 of 4 stars). 5 submissions from 5 submitters: Uncertain significance (4). 1 of the submissions does not count toward it. Last evaluated 2022-08-15.

Conditions:
Cystic fibrosis (CF). Also called: MUCOVISCIDOSIS. Identifiers: Orphanet 586, MedGen C0010674, MONDO:0009061, OMIM 219700. Disease mechanism: loss of function.
CFTR-related disorder (CFTR-RD). Also called: CFTR-related disorders; CFTR-related condition. Identifiers: MedGen C5924204, MONDO:7770004.

Allele frequency attached by ClinVar (database versions not stated): gnomAD exomes below 0.00001 and 0.00001; ExAC 0.00001.
gnomAD v4.1: 1 of 1,526,470 alleles (0.000066%); highest among the groups gnomAD compares: Admixed American, 0.0023%; no homozygotes.

Submissions (5):

Labcorp Genetics (formerly Invitae), Labcorp
Classification: Uncertain significance for Cystic fibrosis. Last evaluated: 2022-08-15. Review status: criteria provided, single submitter. Criteria: Invitae Variant Classification Sherloc (09022015). Collection method: clinical testing. Allele origin: germline.
Comment: In summary, the available evidence is currently insufficient to determine the role of this variant in disease. Therefore, it has been classified as a Variant of Uncertain Significance. Algorithms developed to predict the effect of missense changes on protein structure and function are either unavailable or do not agree on the potential impact of this missense change (SIFT: "Tolerated"; PolyPhen-2: "Possibly Damaging"; Align-GVGD: "Class C0"). ClinVar contains an entry for this variant (Variation ID: 618562). This missense change has been observed in individual(s) with CFTR-related conditions (PMID: 23810505). The frequency data for this variant in the population databases is considered unreliable, as metrics indicate poor data quality at this position in the gnomAD database. This sequence change replaces arginine, which is basic and polar, with serine, which is neutral and polar, at codon 811 of the CFTR protein (p.Arg811Ser).

Genome-Nilou Lab
Classification: Uncertain significance for Cystic fibrosis. Last evaluated: 2021-09-05. Review status: criteria provided, single submitter. Criteria: ACMG Guidelines, 2015. Collection method: clinical testing. Allele origin: germline. Affected: no.

Women's Health and Genetics/Laboratory Corporation of America, LabCorp
Classification: Uncertain significance. Last evaluated: 2018-07-02. Review status: criteria provided, single submitter. Criteria: LabCorp Variant Classification Summary - May 2015. Collection method: clinical testing. Allele origin: germline.
Comment: Variant summary: CFTR c.2433G>T (p.Arg811Ser) results in a non-conservative amino acid change located in the CFTR regulator domain of the encoded protein sequence. Four of five in-silico tools predict a damaging effect of the variant on protein function. The variant allele was found at a frequency of 9.1e-06 in 110496 control chromosomes (ExAC). The available data on variant occurrences in the general population are insufficient to allow any conclusion about variant significance. The variant, c.2433G>T, was indicated to have been found in a compound heterozygote newborn that did not present with a clear Cystic Fibrosis phenotype (Prach_2013). No clinical diagnostic laboratories have submitted clinical-significance assessments for this variant to ClinVar after 2014. Based on the evidence outlined above, the variant was classified as uncertain significance.

ARUP Laboratories, Molecular Genetics and Genomics, ARUP Laboratories
Classification: Uncertain significance. Last evaluated: 2018-05-07. Review status: criteria provided, single submitter. Criteria: ARUP Molecular Germline Variant Investigation Process. Collection method: clinical testing. Allele origin: germline.
Comment: The CFTR c.2433G>T; p.Arg811Ser variant (rs778688276) has been identified during cystic fibrosis (CF) newborn screening in one clinically asymptomatic infant who also harbored a common pathogenic CFTR variant (Prach 2013). It is unknown whether or not these two variants were present on the same or opposite chromosome, and follow-up of this patient showed no manifestations of CF. The arginine at codon 811 is highly conserved but computational algorithms (PolyPhen-2: damaging, SIFT: tolerated) are inconclusive on the effect of this variant on protein structure and function. Due to limited information regarding this variant, its clinical significance cannot be determined with certainty. References: Prach L et al. Novel CFTR variants identified during the first 3 years of cystic fibrosis newborn screening in California. J Mol Diagn. 2013 Sep;15(5):710-22.

Natera, Inc.
Classification: Uncertain significance for CFTR-related disorders. Last evaluated: 2018-12-05. Review status: no assertion criteria provided. Collection method: clinical testing. Allele origin: germline. Not counted in ClinVar's aggregate classification.

Literature cited by the submitters: PubMed 23810505 (cited by Labcorp Genetics (formerly Invitae), Labcorp and Women's Health and Genetics/Laboratory Corporation of America, LabCorp).